The following is an entry in ClinVar:

NM_024422.6(DSC2):c.153A>G (p.Arg51=)

Gene: DSC2 (desmocollin 2; minus strand). Cytogenetic location: 18q12.1.
Variant type: single nucleotide variant.
Coding change: c.153A>G on transcript NM_024422.6 (MANE Select); coding-DNA position 153, A replaced by G.
Protein change: p.Arg51=; no amino-acid change (arginine 51 retained).
Molecular consequence: synonymous variant.
Genome position (GRCh38, 1-based): chr18:31,093,560, T>C on the plus strand (A>G on the coding strand, the complement: DSC2 is on the minus strand). VCF-style: chr18-31093560-T-C. GRCh37 (hg19) VCF-style: chr18-28673523-T-C.
Other names: c.153A>G, p.Arg51= (NM_004949.5).
Identifiers: ClinVar variation 629760 (VCV000629760.5), dbSNP rs781424888, ClinGen allele CA031841.

ClinVar aggregate classification (germline): Conflicting classifications of pathogenicity. Review status: criteria provided, conflicting classifications (1 of 4 stars). 4 submissions from 4 submitters: Uncertain significance (2); Likely benign (2). Last evaluated 2025-12-17.

Conditions:
Cardiomyopathy (CMYO). Also called: Cardiomyopathies. Identifiers: Orphanet 167848, MedGen C0878544, MONDO:0004994, HP:0001638. Inheritance: Various modes of inheritance.
Arrhythmogenic right ventricular dysplasia 11. Also called: Arrhythmogenic right ventricular dysplasia 11 with mild palmoplantar keratoderma and woolly hair; Arrhythmogenic Right Ventricular Dysplasia/Cardiomyopathy11; ARRHYTHMOGENIC RIGHT VENTRICULAR DYSPLASIA, FAMILIAL, 11. Identifiers: MedGen C1864850, MONDO:0012506, OMIM 610476.
Familial isolated arrhythmogenic right ventricular dysplasia. Identifiers: Orphanet 217656, MedGen C4274968, MONDO:0016342.

Allele frequency attached by ClinVar (database versions not stated): gnomAD exomes 0.00001; ExAC 0.00002.
gnomAD v4.1: 11 of 1,604,758 alleles (0.00069%); highest among the groups gnomAD compares: South Asian, 0.012%; no homozygotes.

Submissions (4):

Labcorp Genetics (formerly Invitae), Labcorp
Classification: Uncertain significance for Arrhythmogenic right ventricular dysplasia 11. Last evaluated: 2025-12-17. Review status: criteria provided, single submitter. Criteria: Invitae Variant Classification Sherloc (09022015). Collection method: clinical testing. Allele origin: germline.
Comment: This sequence change affects codon 51 of the DSC2 mRNA. It is a 'silent' change, meaning that it does not change the encoded amino acid sequence of the DSC2 protein. It affects a nucleotide within the consensus splice site. This variant is present in population databases (rs781424888, gnomAD 0.01%). This variant has not been reported in the literature in individuals affected with DSC2-related conditions. ClinVar contains an entry for this variant (Variation ID: 629760). Algorithms developed to predict the effect of sequence changes on RNA splicing suggest that this variant may disrupt the consensus splice site. In summary, the available evidence is currently insufficient to determine the role of this variant in disease. Therefore, it has been classified as a Variant of Uncertain Significance.

GeneDx
Classification: Uncertain significance. Last evaluated: 2025-04-06. Review status: criteria provided, single submitter. Criteria: GeneDx Variant Classification Process June 2021. Collection method: clinical testing. Allele origin: germline. Affected: yes.
Comment: Not observed at significant frequency in large population cohorts (gnomAD); Has not been previously published as pathogenic or benign to our knowledge; In silico analysis is inconclusive as to whether the variant alters gene splicing. In the absence of RNA/functional studies, the actual effect of this sequence change is unknown.

All of Us Research Program, National Institutes of Health
Classification: Likely benign for Familial isolated arrhythmogenic right ventricular dysplasia. Last evaluated: 2023-06-26. Review status: criteria provided, single submitter. Criteria: ACMG Guidelines, 2015. Collection method: clinical testing. Allele origin: germline. Inheritance: Autosomal dominant inheritance. Observed: 1 variant allele, 1 heterozygote.
Comment: This study involves interpretation of variants in research participants for the purpose of population health screening. Participant phenotype was not available at the time of variant classification. Additional details can be found in publication PMID: 35346344, PMCID: PMC8962531

Color Diagnostics, LLC DBA Color Health
Classification: Likely benign for Cardiomyopathy. Last evaluated: 2018-10-16. Review status: criteria provided, single submitter. Criteria: ACMG Guidelines, 2015. Collection method: clinical testing. Allele origin: germline.